The following is an entry in ClinVar:

NM_004482.4(GALNT3):c.1626+2T>C

Gene: GALNT3 (polypeptide N-acetylgalactosaminyltransferase 3; minus strand). Cytogenetic location: 2q24.3.
Variant type: single nucleotide variant.
Coding change: c.1626+2T>C on transcript NM_004482.4 (MANE Select); the canonical splice donor site of the intron after coding-DNA position 1626, T replaced by C.
Molecular consequence: splice donor variant.
Genome position (GRCh38, 1-based): chr2:165,754,625, A>G on the plus strand (T>C on the coding strand, the complement: GALNT3 is on the minus strand). VCF-style: chr2-165754625-A-G. GRCh37 (hg19) VCF-style: chr2-166611135-A-G.
Identifiers: ClinVar variation 2718445 (VCV002718445.3), dbSNP rs2467861939, ClinGen allele CA349031817.

ClinVar aggregate classification (germline): Pathogenic (1 of 4 stars; one submission).

Submission:

Labcorp Genetics (formerly Invitae), Labcorp
Classification: Pathogenic. Last evaluated: 2023-06-17. Review status: criteria provided, single submitter. Criteria: Invitae Variant Classification Sherloc (09022015). Collection method: clinical testing. Allele origin: germline.
Comment: For these reasons, this variant has been classified as Pathogenic. Studies have shown that disruption of this splice site results in activation of a cryptic splice site and introduces a premature termination codon (PMID: 17311862). The resulting mRNA is expected to undergo nonsense-mediated decay. Disruption of this splice site has been observed in individual(s) with hyperostosis-hyperphosphatemia syndrome (PMID: 17311862). In at least one individual the data is consistent with being in trans (on the opposite chromosome) from a pathogenic variant. This variant is not present in population databases (gnomAD no frequency). This sequence change affects a donor splice site in intron 9 of the GALNT3 gene. RNA analysis indicates that disruption of this splice site induces altered splicing and may result in an absent or disrupted protein product.

Literature cited by the submitters: PubMed 17311862.